The following is an entry in ClinVar:

NM_000455.5(STK11):c.375G>T (p.Met125Ile)

Gene: STK11 (serine/threonine kinase 11; plus strand). Cytogenetic location: 19p13.3.
Variant type: single nucleotide variant.
Coding change: c.375G>T on transcript NM_000455.5 (MANE Select); coding-DNA position 375, G replaced by T.
Protein change: p.Met125Ile; replaces methionine 125 with isoleucine.
Molecular consequence: missense variant.
Genome position (GRCh38, 1-based): chr19:1,219,324, G>T. VCF-style: chr19-1219324-G-T. GRCh37 (hg19) VCF-style: chr19-1219323-G-T.
Other names: c.375G>T, p.Met125Ile (NM_001407255.1); short protein forms M125I.
Identifiers: ClinVar variation 1734661 (VCV001734661.4), dbSNP rs1421605142, ClinGen allele CA402948073.
Genomic context (GRCh38, chr19:1,219,324, plus strand): 5'-CGTGCTCCCTGGGCCTGTGAGTGGGGCCGCCCCCTGAGCTGTGTGTCCTTAGCGCCCCAC[G>T]TATATGGTGATGGAGTACTGCGTGTGTGGCATGCAGGAAATGCTGGACAGCGTGCCGGAG-3'
Protein context (NP_000446.1, residues 115-135): DVLYNEEKQK[Met125Ile]YMVMEYCVCG

ClinVar aggregate classification (germline): Uncertain significance. Review status: criteria provided, multiple submitters, no conflicts (2 of 4 stars). 2 submissions from 2 submitters: Uncertain significance (2). Last evaluated 2024-08-01.

Conditions:
Hereditary cancer-predisposing syndrome. Also called: Neoplastic Syndromes, Hereditary; Tumor predisposition; Hereditary Cancer Syndrome; Hereditary neoplastic syndrome. Identifiers: Orphanet 140162, MedGen C0027672, MeSH D009386, MONDO:0015356.
Peutz-Jeghers syndrome (PJS). Also called: POLYPOSIS, HAMARTOMATOUS INTESTINAL; POLYPS-AND-SPOTS SYNDROME; Peutz-Jeghers polyposis; Periorificial lentiginosis syndrome. Identifiers: Orphanet 2869, MedGen C0031269, MeSH D010580, MONDO:0008280, OMIM 175200.

Submissions (2):

Labcorp Genetics (formerly Invitae), Labcorp
Classification: Uncertain significance for Peutz-Jeghers syndrome. Last evaluated: 2024-08-01. Review status: criteria provided, single submitter. Criteria: Invitae Variant Classification Sherloc (09022015). Collection method: clinical testing. Allele origin: germline.
Comment: This sequence change replaces methionine, which is neutral and non-polar, with isoleucine, which is neutral and non-polar, at codon 125 of the STK11 protein (p.Met125Ile). This variant is not present in population databases (gnomAD no frequency). This variant has not been reported in the literature in individuals affected with STK11-related conditions. ClinVar contains an entry for this variant (Variation ID: 1734661). An algorithm developed to predict the effect of missense changes on protein structure and function (PolyPhen-2) suggests that this variant is likely to be tolerated. In summary, the available evidence is currently insufficient to determine the role of this variant in disease. Therefore, it has been classified as a Variant of Uncertain Significance.

Ambry Genetics
Classification: Uncertain significance for Hereditary cancer-predisposing syndrome. Last evaluated: 2021-11-20. Review status: criteria provided, single submitter. Criteria: Ambry Variant Classification Scheme 2023. Collection method: clinical testing. Allele origin: germline.
Comment: The p.M125I variant (also known as c.375G>T) is located in coding exon 3 of the STK11 gene. The methionine at codon 125 is replaced by isoleucine, an amino acid with highly similar properties. This change occurs in the first base pair of coding exon 3. This amino acid position is highly conserved in available vertebrate species. In addition, the in silico prediction for this alteration is inconclusive. Since supporting evidence is limited at this time, the clinical significance of this alteration remains unclear.